The following is an entry in ClinVar:

NM_032043.3(BRIP1):c.3139T>C (p.Leu1047=)

Gene: BRIP1 (BRCA1 interacting DNA helicase 1; minus strand). Cytogenetic location: 17q23.2.
Variant type: single nucleotide variant.
Coding change: c.3139T>C on transcript NM_032043.3 (MANE Select); coding-DNA position 3139, T replaced by C.
Protein change: p.Leu1047=; no amino-acid change (leucine 1047 retained).
Molecular consequence: synonymous variant.
Genome position (GRCh38, 1-based): chr17:61,683,907, A>G on the plus strand (T>C on the coding strand, the complement: BRIP1 is on the minus strand). VCF-style: chr17-61683907-A-G. GRCh37 (hg19) VCF-style: chr17-59761268-A-G.
Identifiers: ClinVar variation 414687 (VCV000414687.11), dbSNP rs1060504333, ClinGen allele CA16615487.

ClinVar aggregate classification (germline): Benign/Likely benign. Review status: criteria provided, multiple submitters, no conflicts (2 of 4 stars). 2 submissions from 2 submitters: Benign (1); Likely benign (1). Last evaluated 2025-06-06.

Conditions:
Fanconi anemia complementation group J. Also called: BRIP1-Related Fanconi Anemia. Identifiers: Orphanet 84, MedGen C1836860, MONDO:0012187, OMIM 609054.
Familial cancer of breast. Also called: Hereditary breast cancer; BREAST CANCER, FAMILIAL; hereditary breast carcinoma. Identifiers: Orphanet 227535, MedGen C0346153, MONDO:0016419, OMIM 114480. Disease mechanism: loss of function.

Allele frequency attached by ClinVar (database versions not stated): gnomAD 0.00001.
gnomAD v4.1: 1 of 1,614,096 alleles (0.000062%); highest among the groups gnomAD compares: African/African-American, 0.0013%; no homozygotes.

Submissions (2):

Labcorp Genetics (formerly Invitae), Labcorp
Classification: Likely benign for Familial cancer of breast; Fanconi anemia complementation group J. Last evaluated: 2025-06-06. Review status: criteria provided, single submitter. Criteria: Invitae Variant Classification Sherloc (09022015). Collection method: clinical testing. Allele origin: germline.

Myriad Genetics, Inc.
Classification: Benign for Familial cancer of breast. Last evaluated: 2024-09-09. Review status: criteria provided, single submitter. Criteria: Myriad Autosomal Dominant, Autosomal Recessive and X-Linked Classification Criteria (2023). Collection method: clinical testing. Allele origin: unknown.
Comment: This variant is considered benign. This variant is a silent/synonymous amino acid change and it is not expected to impact splicing.